The following is an entry in ClinVar:

ClinVar aggregate classification (germline): Pathogenic (1 of 4 stars; one submission).

Conditions:
Coffin-Lowry syndrome (CLS). Also called: COFFIN-LOWRY SYNDROME, MILD; Mental retardation with osteocartilaginous abnormalities. Identifiers: Orphanet 192, MedGen C0265252, MONDO:0010561, OMIM 303600.

Submission:

Greenwood Genetic Center Diagnostic Laboratories, Greenwood Genetic Center
Classification: Pathogenic for Coffin-Lowry syndrome. Last evaluated: 2023-01-30. Review status: criteria provided, single submitter. Criteria: ACMG Guidelines, 2015. Collection method: clinical testing. Allele origin: germline. Affected: yes.
Comment: PVS1, PS2, PM2

NM_004586.3(RPS6KA3):c.407-1G>T

Gene: RPS6KA3 (ribosomal protein S6 kinase A3; minus strand). Cytogenetic location: Xp22.12.
Variant type: single nucleotide variant.
Coding change: c.407-1G>T on transcript NM_004586.3 (MANE Select); the canonical splice acceptor site of the intron before coding-DNA position 407, G replaced by T.
Molecular consequence: splice acceptor variant.
Genome position (GRCh38, 1-based): chrX:20,194,269, C>A on the plus strand (G>T on the coding strand, the complement: RPS6KA3 is on the minus strand). VCF-style: chrX-20194269-C-A. GRCh37 (hg19) VCF-style: chrX-20212387-C-A.
Identifiers: ClinVar variation 2505251 (VCV002505251.1), dbSNP rs2519759849, ClinGen allele CA412510486.